The following is an entry in ClinVar:

NM_001844.5(COL2A1):c.276C>T (p.Asp92=)

Gene: COL2A1 (collagen type II alpha 1 chain; minus strand). Cytogenetic location: 12q13.11.
Variant type: single nucleotide variant.
Coding change: c.276C>T on transcript NM_001844.5 (MANE Select); coding-DNA position 276, C replaced by T.
Protein change: p.Asp92=; no amino-acid change (aspartic acid 92 retained).
Molecular consequence: synonymous variant. On other transcripts: intron variant (1).
Genome position (GRCh38, 1-based): chr12:47,999,935, G>A on the plus strand (C>T on the coding strand, the complement: COL2A1 is on the minus strand). VCF-style: chr12-47999935-G-A. GRCh37 (hg19) VCF-style: chr12-48393718-G-A.
Other names: c.86-1504C>T (NM_033150.3).
Identifiers: ClinVar variation 1100091 (VCV001100091.33), dbSNP rs748367231, ClinGen allele CA6536062.

ClinVar aggregate classification (germline): Likely benign. Review status: criteria provided, multiple submitters, no conflicts (2 of 4 stars). 3 submissions from 3 submitters: Likely benign (3). Last evaluated 2025-12-22.

Allele frequency attached by ClinVar (database versions not stated): gnomAD exomes 0.00001 and 0.00002; ExAC 0.00002; gnomAD 0.00002 and 0.00003.
gnomAD v4.1: 30 of 1,613,972 alleles (0.0019%); highest among the groups gnomAD compares: Non-Finnish European, 0.0025%; no homozygotes.

Submissions (3):

Labcorp Genetics (formerly Invitae), Labcorp
Classification: Likely benign. Last evaluated: 2025-12-22. Review status: criteria provided, single submitter. Criteria: Invitae Variant Classification Sherloc (09022015). Collection method: clinical testing. Allele origin: germline.

Blueprint Genetics
Classification: Likely benign. Last evaluated: 2024-08-26. Review status: criteria provided, single submitter. Criteria: ACMG Guidelines, 2015. Collection method: clinical testing. Allele origin: germline.

CeGaT Center for Human Genetics Tuebingen
Classification: Likely benign. Last evaluated: 2023-05-01. Review status: criteria provided, single submitter. Criteria: CeGaT Center For Human Genetics Tuebingen Variant Classification Criteria Version 2. Collection method: clinical testing. Allele origin: germline. Affected: yes. Observed: 2 variant alleles.
Comment: COL2A1: BP4, BP7